The following is an entry in ClinVar:

NM_020971.3(SPTBN4):c.5285T>C (p.Val1762Ala)

Gene: SPTBN4 (spectrin beta, non-erythrocytic 4; plus strand). Cytogenetic location: 19q13.2.
Variant type: single nucleotide variant.
Coding change: c.5285T>C on transcript NM_020971.3 (MANE Select); coding-DNA position 5285, T replaced by C.
Protein change: p.Val1762Ala; replaces valine 1762 with alanine.
Molecular consequence: missense variant.
Genome position (GRCh38, 1-based): chr19:40,556,284, T>C. VCF-style: chr19-40556284-T-C. GRCh37 (hg19) VCF-style: chr19-41062190-T-C.
Other names: c.1313T>C, p.Val438Ala (NM_025213.3); short protein forms V438A, V1762A.
Identifiers: ClinVar variation 3169606 (VCV003169606.1), dbSNP rs774083674, ClinGen allele CA9446420.
Genomic context (GRCh38, chr19:40,556,284, plus strand): 5'-GGATTGCCGAGAAGGAGGTGGTGGCTGGCTCACCCGAGCTCGGCCAGGACTTTGAGCATG[T>C]CTCGGTGAGCATCATTAGTAATAAGTGATACCAGGAGCTACCACTAAGGTTCTCTGGGCC-3'
Protein context (NP_066022.2, residues 1752-1772): SPELGQDFEH[Val1762Ala]SVLQEKFSEF

ClinVar aggregate classification (germline): Uncertain significance (1 of 4 stars; one submission).

Conditions:
Inborn genetic diseases. Identifiers: MedGen C0950123, MeSH D030342.

Allele frequency attached by ClinVar (database versions not stated): gnomAD 0.00003; gnomAD exomes 0.00006; ExAC 0.00021.
gnomAD v4.1: 89 of 1,611,150 alleles (0.0055%); highest among the groups gnomAD compares: South Asian, 0.097%; no homozygotes.

Submission:

Ambry Genetics
Classification: Uncertain significance for Inborn genetic diseases. Last evaluated: 2021-01-27. Review status: criteria provided, single submitter. Criteria: Ambry Variant Classification Scheme 2023. Collection method: clinical testing. Allele origin: germline.
Comment: The c.5285T>C (p.V1762A) alteration is located in exon 25 (coding exon 24) of the SPTBN4 gene. This alteration results from a T to C substitution at nucleotide position 5285, causing the valine (V) at amino acid position 1762 to be replaced by an alanine (A). The in silico prediction for the p.V1762A alteration is inconclusive. Based on insufficient or conflicting evidence, the clinical significance of this alteration remains unclear.